The following is an entry in ClinVar:

NM_004863.4(SPTLC2):c.1010A>G (p.Tyr337Cys)

Gene: SPTLC2 (serine palmitoyltransferase long chain base subunit 2; minus strand). Cytogenetic location: 14q24.3.
Variant type: single nucleotide variant.
Coding change: c.1010A>G on transcript NM_004863.4 (MANE Select); coding-DNA position 1010, A replaced by G.
Protein change: p.Tyr337Cys; replaces tyrosine 337 with cysteine.
Molecular consequence: missense variant.
Genome position (GRCh38, 1-based): chr14:77,555,466, T>C on the plus strand (A>G on the coding strand, the complement: SPTLC2 is on the minus strand). VCF-style: chr14-77555466-T-C. GRCh37 (hg19) VCF-style: chr14-78021809-T-C.
Other names: short protein forms Y337C.
Identifiers: ClinVar variation 1359818 (VCV001359818.8), dbSNP rs2140020609, ClinGen allele CA390709043.

ClinVar aggregate classification (germline): Uncertain significance (1 of 4 stars; one submission).

Conditions:
Neuropathy, hereditary sensory and autonomic, type 1C. Also called: HSAN IC; HSN IC. Identifiers: Orphanet 36386, MedGen C3150896, MONDO:0013337, OMIM 613640.

Submission:

Labcorp Genetics (formerly Invitae), Labcorp
Classification: Uncertain significance for Neuropathy, hereditary sensory and autonomic, type 1C. Last evaluated: 2023-10-03. Review status: criteria provided, single submitter. Criteria: Invitae Variant Classification Sherloc (09022015). Collection method: clinical testing. Allele origin: germline.
Comment: This sequence change replaces tyrosine, which is neutral and polar, with cysteine, which is neutral and slightly polar, at codon 337 of the SPTLC2 protein (p.Tyr337Cys). This variant is not present in population databases (gnomAD no frequency). This variant has not been reported in the literature in individuals affected with SPTLC2-related conditions. ClinVar contains an entry for this variant (Variation ID: 1359818). Advanced modeling of protein sequence and biophysical properties (such as structural, functional, and spatial information, amino acid conservation, physicochemical variation, residue mobility, and thermodynamic stability) performed at Invitae indicates that this missense variant is expected to disrupt SPTLC2 protein function. In summary, the available evidence is currently insufficient to determine the role of this variant in disease. Therefore, it has been classified as a Variant of Uncertain Significance.